The following is an entry in ClinVar:

ClinVar aggregate classification (germline): Pathogenic. Review status: criteria provided, multiple submitters, no conflicts (2 of 4 stars). 2 submissions from 2 submitters: Pathogenic (2). Last evaluated 2025-09-16.

Conditions:
ZTTK syndrome (ZTTKS). Also called: ZTTK MULTIPLE CONGENITAL ANOMALIES-MENTAL RETARDATION SYNDROME; Zhu-Tokita-Takenouchi-Kim Syndrome. Identifiers: Orphanet 500150, MedGen C4310696, MONDO:0014936, OMIM 617140.

Submissions (2):

3billion
Classification: Pathogenic for ZTTK syndrome. Last evaluated: 2025-09-16. Review status: criteria provided, single submitter. Criteria: ACMG Guidelines, 2015. Collection method: clinical testing. Allele origin: germline. Affected: yes.
Comment: The variant is not observed in the gnomAD v4.1.0 dataset. Predicted Consequence/Location: Frameshift: predicted to result in a loss or disruption of normal protein function through nonsense-mediated decay (NMD) or protein truncation. Multiple pathogenic variants are reported downstream of the variant. The variant has been reported to be associated with SON-related disorder (ClinVar ID: VCV000817633). Therefore, this variant is classified as Pathogenic according to the recommendation of ACMG/AMP guideline.

GeneDx
Classification: Pathogenic. Last evaluated: 2018-07-19. Review status: criteria provided, single submitter. Criteria: GeneDx Variant Classification (06012015). Collection method: clinical testing. Allele origin: germline. Affected: yes.
Comment: The c.5721_5722dupAA variant in the SON gene has not been reported previously as a pathogenic variant nor as a benign variant, to our knowledge. The c.5721_5722dupAA variant causes a frameshift starting with codon Arginine 1908, changes this amino acid to a Lysine residue, and creates a premature Stop codon at position 99 of the new reading frame, denoted p.Arg1908LysfsX99. This variant is predicted to cause loss of normal protein function either through protein truncation or nonsense-mediated mRNA decay. The c.5721_5722dupAA variant is not observed in large population cohorts (Lek et al., 2016). We interpret c.5721_5722dupAA as a pathogenic variant.

NM_138927.4(SON):c.5721_5722dup (p.Arg1908fs)

Gene: SON (SON DNA and RNA binding protein; plus strand). Cytogenetic location: 21q22.11.
Variant type: Duplication.
Coding change: c.5721_5722dup on transcript NM_138927.4 (MANE Select); coding-DNA positions 5721 to 5722, 2 bases duplicated (AA; older notation c.5721_5722dupAA).
Protein change: p.Arg1908fs; shifts the reading frame from arginine 1908.
Molecular consequence: frameshift variant. On other transcripts: non-coding transcript variant (1), intron variant (1).
Genome position (GRCh38, 1-based): chr21:33,554,952-33,554,953, AA duplicated; duplicating any 2 consecutive bases within chr21:33,554,949-33,554,953 gives the same sequence; the c. name uses the placement nearest the transcript's 3' end. VCF-style (leftmost placement, unchanged base first): chr21-33554948-G-GAA. GRCh37 (hg19) VCF-style: chr21-34927254-G-GAA.
Other names: c.5721_5722dupAA (NM_032195.2); c.5721_5722dup, p.Arg1908fs (NM_001291411.2, NM_032195.3); c.245-2204_245-2203dup (NM_001291412.3); short protein forms R1908fs.
Identifiers: ClinVar variation 817633 (VCV000817633.2), dbSNP rs1601274465, ClinGen allele CA915953130.
Genomic context (GRCh38, chr21:33,554,948, plus strand): 5'-TATCAAAAGAGAAGCGCAAAAGATCTCCAAAGCACAGATCCAAGTCTAGGGAAAGAAAAA[G>GAA]AAAAAGATCAAGCTCCAGGGATAACCGAAAGACAGTTAGAGCTCGAAGTCGAACCCCAAG-3'